The following is an entry in ClinVar:

ClinVar aggregate classification (germline): Uncertain significance (1 of 4 stars; one submission).

Conditions:
Inborn genetic diseases. Identifiers: MedGen C0950123, MeSH D030342.

Submission:

Ambry Genetics
Classification: Uncertain significance for Inborn genetic diseases. Last evaluated: 2024-06-06. Review status: criteria provided, single submitter. Criteria: Ambry Variant Classification Scheme 2023. Collection method: clinical testing. Allele origin: germline.
Comment: The p.E242G variant (also known as c.725A>G), located in coding exon 8 of the AKT1 gene, results from an A to G substitution at nucleotide position 725. The glutamic acid at codon 242 is replaced by glycine, an amino acid with similar properties. This amino acid position is conserved. In addition, this alteration is predicted to be tolerated by in silico analysis. Based on the available evidence, the clinical significance of this variant remains unclear.

NM_001382430.1(AKT1):c.725A>G (p.Glu242Gly)

Gene: AKT1 (AKT serine/threonine kinase 1; minus strand). Cytogenetic location: 14q32.33.
Variant type: single nucleotide variant.
Coding change: c.725A>G on transcript NM_001382430.1 (MANE Select); coding-DNA position 725, A replaced by G.
Protein change: p.Glu242Gly; replaces glutamic acid 242 with glycine.
Molecular consequence: missense variant.
Genome position (GRCh38, 1-based): chr14:104,773,558, T>C on the plus strand (A>G on the coding strand, the complement: AKT1 is on the minus strand). VCF-style: chr14-104773558-T-C. GRCh37 (hg19) VCF-style: chr14-105239895-T-C.
Other names: c.725A>G, p.Glu242Gly (NM_001014431.2, NM_001014432.2, NM_001382431.1 and 3 more transcripts); short protein forms E242G.
Identifiers: ClinVar variation 3283067 (VCV003283067.1).
Genomic context (GRCh38, chr14:104,773,558, plus strand): 5'-TCCAGGGCTGACACAATCTCAGCGCCATAGAAGCGGGCCCGGTCCTCGGAGAACACACGC[T>C]CCCGGGACAGGTGGAAGAACAGCTGCGGGAGGCGCAACCTGAGGCACAGCCGTGGCTCGG-3'
Protein context (NP_001369359.1, residues 232-252): GGELFFHLSR[Glu242Gly]RVFSEDRARF